The following is an entry in ClinVar:

NM_001693.4(ATP6V1B2):c.300A>T (p.Glu100Asp)

Gene: ATP6V1B2 (ATPase H+ transporting V1 subunit B2; plus strand). Cytogenetic location: 8p21.3.
Variant type: single nucleotide variant.
Coding change: c.300A>T on transcript NM_001693.4 (MANE Select); coding-DNA position 300, A replaced by T.
Protein change: p.Glu100Asp; replaces glutamic acid 100 with aspartic acid.
Molecular consequence: missense variant.
Genome position (GRCh38, 1-based): chr8:20,210,354, A>T. VCF-style: chr8-20210354-A-T. GRCh37 (hg19) VCF-style: chr8-20067865-A-T.
Other names: short protein forms E100D.
Identifiers: ClinVar variation 1703298 (VCV001703298.2), dbSNP rs2486459467, ClinGen allele CA370471243.

ClinVar aggregate classification (germline): Uncertain significance (1 of 4 stars; one submission).

Submission:

GeneDx
Classification: Uncertain significance. Last evaluated: 2022-03-02. Review status: criteria provided, single submitter. Criteria: GeneDx Variant Classification Process June 2021. Collection method: clinical testing. Allele origin: germline. Affected: yes.
Comment: Not observed at significant frequency in large population cohorts (gnomAD); In silico analysis supports that this missense variant does not alter protein structure/function; De novo variant with confirmed parentage; however, the reported clinical features are only partially consistent with the features typically observed in individuals with pathogenic variants in this gene; Has not been previously published as pathogenic or benign to our knowledge